The following is an entry in ClinVar:

ClinVar aggregate classification (germline): Uncertain significance (1 of 4 stars; one submission).

Conditions:
Arrhythmogenic right ventricular dysplasia 10. Also called: Arrhythmogenic Right Ventricular Dysplasia/Cardiomyopathy10; ARRHYTHMOGENIC RIGHT VENTRICULAR DYSPLASIA, FAMILIAL, 10; Arrhythmogenic right ventricular dysplasia/cardiomyopathy, type 10. Identifiers: MedGen C1857777, MONDO:0012434, OMIM 610193.

Submission:

Labcorp Genetics (formerly Invitae), Labcorp
Classification: Uncertain significance for Arrhythmogenic right ventricular dysplasia 10. Last evaluated: 2021-04-09. Review status: criteria provided, single submitter. Criteria: Invitae Variant Classification Sherloc (09022015). Collection method: clinical testing. Allele origin: germline.
Comment: This sequence change replaces threonine with serine at codon 1099 of the DSG2 protein (p.Thr1099Ser). The threonine residue is moderately conserved and there is a small physicochemical difference between threonine and serine. This variant is not present in population databases (ExAC no frequency). In summary, the available evidence is currently insufficient to determine the role of this variant in disease. Therefore, it has been classified as a Variant of Uncertain Significance. Algorithms developed to predict the effect of missense changes on protein structure and function output the following: SIFT: "Tolerated"; PolyPhen-2: "Benign"; Align-GVGD: "Class C0". The serine amino acid residue is found in multiple mammalian species, suggesting that this missense change does not adversely affect protein function. These predictions have not been confirmed by published functional studies and their clinical significance is uncertain. This variant has not been reported in the literature in individuals with DSG2-related conditions.

NM_001943.5(DSG2):c.3295A>T (p.Thr1099Ser)

Genes: DSG2 (desmoglein 2; plus strand), DSG2-AS1 (DSG2 antisense RNA 1; minus strand). Cytogenetic location: 18q12.1.
Variant type: single nucleotide variant.
Coding change: c.3295A>T on transcript NM_001943.5 (MANE Select); coding-DNA position 3295, A replaced by T.
Protein change: p.Thr1099Ser; replaces threonine 1099 with serine.
Molecular consequence: missense variant.
Genome position (GRCh38, 1-based): chr18:31,546,681, A>T. VCF-style: chr18-31546681-A-T. GRCh37 (hg19) VCF-style: chr18-29126644-A-T.
Other names: short protein forms T1099S.
Identifiers: ClinVar variation 1372646 (VCV001372646.8), dbSNP rs79068489, ClinGen allele CA402149310.